The following is an entry in ClinVar:

ClinVar aggregate classification (germline): Uncertain significance. Review status: criteria provided, multiple submitters, no conflicts (2 of 4 stars). 2 submissions from 2 submitters: Uncertain significance (2). Last evaluated 2022-12-07.

Conditions:
Cardiovascular phenotype. Identifiers: MedGen CN230736.
Hereditary cancer-predisposing syndrome. Also called: Tumor predisposition; Neoplastic Syndromes, Hereditary; Hereditary Cancer Syndrome; Hereditary neoplastic syndrome. Identifiers: Orphanet 140162, MedGen C0027672, MeSH D009386, MONDO:0015356.
Neurofibromatosis, type 1 (NF1). Also called: NEUROFIBROMATOSIS, TYPE I, SOMATIC; Neurofibromatosis, type I; VON RECKLINGHAUSEN DISEASE; Peripheral type neurofibromatosis. Identifiers: Orphanet 636, MedGen C0027831, MONDO:0018975, OMIM 162200. Disease mechanism: loss of function.

Submissions (2):

Labcorp Genetics (formerly Invitae), Labcorp
Classification: Uncertain significance for Neurofibromatosis, type 1. Last evaluated: 2022-12-07. Review status: criteria provided, single submitter. Criteria: Invitae Variant Classification Sherloc (09022015). Collection method: clinical testing. Allele origin: germline.
Comment: This sequence change replaces glutamic acid, which is acidic and polar, with lysine, which is basic and polar, at codon 2587 of the NF1 protein (p.Glu2587Lys). This variant is not present in population databases (gnomAD no frequency). This variant has not been reported in the literature in individuals affected with NF1-related conditions. In summary, the available evidence is currently insufficient to determine the role of this variant in disease. Therefore, it has been classified as a Variant of Uncertain Significance. Algorithms developed to predict the effect of missense changes on protein structure and function (SIFT, PolyPhen-2, Align-GVGD) all suggest that this variant is likely to be tolerated. ClinVar contains an entry for this variant (Variation ID: 1063417).

Ambry Genetics
Classification: Uncertain significance for Cardiovascular phenotype; Hereditary cancer-predisposing syndrome. Last evaluated: 2021-11-19. Review status: criteria provided, single submitter. Criteria: Ambry Variant Classification Scheme 2023. Collection method: clinical testing. Allele origin: germline.
Comment: The p.E2587K variant (also known as c.7759G>A), located in coding exon 52 of the NF1 gene, results from a G to A substitution at nucleotide position 7759. The glutamic acid at codon 2587 is replaced by lysine, an amino acid with similar properties. This amino acid position is highly conserved in available vertebrate species. In addition, the in silico prediction for this alteration is inconclusive. Since supporting evidence is limited at this time, the clinical significance of this alteration remains unclear.

NM_001042492.3(NF1):c.7822G>A (p.Glu2608Lys)

Gene: NF1 (neurofibromin 1; plus strand). Cytogenetic location: 17q11.2.
Variant type: single nucleotide variant.
Coding change: c.7822G>A on transcript NM_001042492.3 (MANE Select); coding-DNA position 7822, G replaced by A.
Protein change: p.Glu2608Lys; replaces glutamic acid 2608 with lysine.
Molecular consequence: missense variant.
Genome position (GRCh38, 1-based): chr17:31,357,043, G>A. VCF-style: chr17-31357043-G-A. GRCh37 (hg19) VCF-style: chr17-29684061-G-A.
Other names: c.7759G>A, p.Glu2587Lys (NM_000267.4); short protein forms E2587K, E2608K.
Identifiers: ClinVar variation 1063417 (VCV001063417.7), dbSNP rs1597866487, ClinGen allele CA399018578.